The following is an entry in ClinVar:

ClinVar aggregate classification (germline): Uncertain significance (1 of 4 stars; one submission).

Conditions:
Congenital sideroblastic anemia-B-cell immunodeficiency-periodic fever-developmental delay syndrome. Also called: Sideroblastic anemia with B-cell immunodeficiency, periodic fevers, and developmental delay. Identifiers: Orphanet 369861, MedGen C4015172, MONDO:0014487, OMIM 616084.

gnomAD v4.1: 1 of 1,604,132 alleles (0.000062%); highest among the groups gnomAD compares: South Asian, 0.0011%; no homozygotes.

Submission:

Labcorp Genetics (formerly Invitae), Labcorp
Classification: Uncertain significance for Congenital sideroblastic anemia-B-cell immunodeficiency-periodic fever-developmental delay syndrome. Last evaluated: 2022-07-19. Review status: criteria provided, single submitter. Criteria: Invitae Variant Classification Sherloc (09022015). Collection method: clinical testing. Allele origin: germline.
Comment: This sequence change falls in intron 7 of the TRNT1 gene. It does not directly change the encoded amino acid sequence of the TRNT1 protein. It affects a nucleotide within the consensus splice site. Variants that disrupt the consensus splice site are a relatively common cause of aberrant splicing (PMID: 17576681, 9536098). Algorithms developed to predict the effect of sequence changes on RNA splicing suggest that this variant may disrupt the consensus splice site. In summary, the available evidence is currently insufficient to determine the role of this variant in disease. Therefore, it has been classified as a Variant of Uncertain Significance. This variant is not present in population databases (gnomAD no frequency). This variant has not been reported in the literature in individuals affected with TRNT1-related conditions.

Literature cited by the submitters: PubMed 17576681; PubMed 9536098.

NM_182916.3(TRNT1):c.1056+6T>C

Gene: TRNT1 (tRNA nucleotidyl transferase 1; plus strand). Cytogenetic location: 3p26.2.
Variant type: single nucleotide variant.
Coding change: c.1056+6T>C on transcript NM_182916.3 (MANE Select); 6 bases into the intron after coding-DNA position 1056, T replaced by C.
Molecular consequence: intron variant.
Genome position (GRCh38, 1-based): chr3:3,147,709, T>C. VCF-style: chr3-3147709-T-C. GRCh37 (hg19) VCF-style: chr3-3189393-T-C.
Other names: c.1056+6T>C (NM_001367321.1, NM_001367323.1, NM_001367322.1); c.996+6T>C (NM_001302946.2).
Identifiers: ClinVar variation 2105471 (VCV002105471.4), dbSNP rs2471352620, ClinGen allele CA2580069161.